The following is an entry in ClinVar:

NM_004984.4(KIF5A):c.1686T>C (p.Ser562=)

Gene: KIF5A (kinesin family member 5A; plus strand). Cytogenetic location: 12q13.3.
Variant type: single nucleotide variant.
Coding change: c.1686T>C on transcript NM_004984.4 (MANE Select); coding-DNA position 1686, T replaced by C.
Protein change: p.Ser562=; no amino-acid change (serine 562 retained).
Molecular consequence: synonymous variant.
Genome position (GRCh38, 1-based): chr12:57,572,696, T>C. VCF-style: chr12-57572696-T-C. GRCh37 (hg19) VCF-style: chr12-57966479-T-C.
Other names: c.1419T>C, p.Ser473= (NM_001354705.2).
Identifiers: ClinVar variation 3354363 (VCV003354363.1).

ClinVar aggregate classification (germline): Likely benign (0 of 4 stars; one submission).

Conditions:
KIF5A-related disorder. Also called: KIF5A-related disorders; KIF5A-related condition.

gnomAD v4.1: 1 of 1,614,072 alleles (0.000062%); highest among the groups gnomAD compares: Non-Finnish European, 0.000085%; no homozygotes.

Submission:

PreventionGenetics, part of Exact Sciences
Classification: Likely benign for KIF5A-related condition. Last evaluated: 2023-10-03. Review status: no assertion criteria provided. Collection method: clinical testing. Allele origin: germline.
Comment: This variant is classified as likely benign based on ACMG/AMP sequence variant interpretation guidelines (Richards et al. 2015 PMID: 25741868, with internal and published modifications).